The following is an entry in ClinVar:

NM_004260.4(RECQL4):c.23G>A (p.Arg8Gln)

Genes: RECQL4 (RecQ like helicase 4; minus strand), LOC130001411 (ATAC-STARR-seq lymphoblastoid silent region 19699; plus strand). Cytogenetic location: 8q24.3.
Variant type: single nucleotide variant.
Coding change: c.23G>A on transcript NM_004260.4 (MANE Select); coding-DNA position 23, G replaced by A.
Protein change: p.Arg8Gln; replaces arginine 8 with glutamine.
Molecular consequence: missense variant.
Genome position (GRCh38, 1-based): chr8:144,517,762, C>T on the plus strand (G>A on the coding strand, the complement: RECQL4 is on the minus strand). VCF-style: chr8-144517762-C-T. GRCh37 (hg19) VCF-style: chr8-145743146-C-T.
Other names: short protein forms R8Q.
Identifiers: ClinVar variation 1386303 (VCV001386303.6), dbSNP rs896245546, ClinGen allele CA372693962.
Genomic context (GRCh38, chr8:144,517,762, plus strand): 5'-TGGCTCGGTCGCCGCCCGCGCTGCCGTCGGAACGCGCGCTCCCACGCCTGCAGCCGCTCC[C>T]GCACGTCCCGCAGCCGCTCCATGGCGCGCGCGCCCGCCCGGCCTCCGCGCTTGCGATCGT-3'
Protein context (NP_004251.4, residues 1-18): MERLRDV[Arg8Gln]ERLQAWERAF

ClinVar aggregate classification (germline): Uncertain significance (1 of 4 stars; one submission).

Conditions:
Baller-Gerold syndrome (BGS). Also called: CRANIOSYNOSTOSIS WITH RADIAL DEFECTS. Identifiers: Orphanet 1225, MedGen C0265308, MONDO:0009039, OMIM 218600.

Submission:

Labcorp Genetics (formerly Invitae), Labcorp
Classification: Uncertain significance for Baller-Gerold syndrome. Last evaluated: 2025-07-28. Review status: criteria provided, single submitter. Criteria: Invitae Variant Classification Sherloc (09022015). Collection method: clinical testing. Allele origin: germline.
Comment: This sequence change replaces arginine, which is basic and polar, with glutamine, which is neutral and polar, at codon 8 of the RECQL4 protein (p.Arg8Gln). This variant is not present in population databases (gnomAD no frequency). This variant has not been reported in the literature in individuals affected with RECQL4-related conditions. ClinVar contains an entry for this variant (Variation ID: 1386303). Experimental studies and prediction algorithms are not available or were not evaluated, and the functional significance of this variant is currently unknown. In summary, the available evidence is currently insufficient to determine the role of this variant in disease. Therefore, it has been classified as a Variant of Uncertain Significance.